The following is an entry in ClinVar:

NM_006059.4(LAMC3):c.1939+4A>G

Gene: LAMC3 (laminin subunit gamma 3; plus strand). Cytogenetic location: 9q34.12.
Variant type: single nucleotide variant.
Coding change: c.1939+4A>G on transcript NM_006059.4 (MANE Select); 4 bases into the intron after coding-DNA position 1939, A replaced by G.
Molecular consequence: intron variant.
Genome position (GRCh38, 1-based): chr9:131,052,969, A>G. VCF-style: chr9-131052969-A-G. GRCh37 (hg19) VCF-style: chr9-133928356-A-G.
Identifiers: ClinVar variation 1508864 (VCV001508864.6), dbSNP rs1303580690, ClinGen allele CA590945650.

ClinVar aggregate classification (germline): Uncertain significance (1 of 4 stars; one submission).

Allele frequency attached by ClinVar (database versions not stated): TOPMed below 0.00001; gnomAD 0.00001; gnomAD exomes 0.00001.
gnomAD v4.1: 22 of 1,603,928 alleles (0.0014%); highest among the groups gnomAD compares: Admixed American, 0.0017%; no homozygotes.

Submission:

Labcorp Genetics (formerly Invitae), Labcorp
Classification: Uncertain significance. Last evaluated: 2021-02-10. Review status: criteria provided, single submitter. Criteria: Invitae Variant Classification Sherloc (09022015). Collection method: clinical testing. Allele origin: germline.
Comment: In summary, the available evidence is currently insufficient to determine the role of this variant in disease. Therefore, it has been classified as a Variant of Uncertain Significance. Nucleotide substitutions within the consensus splice site are a relatively common cause of aberrant splicing (PMID: 17576681, 9536098). Algorithms developed to predict the effect of sequence changes on RNA splicing suggest that this variant may disrupt the consensus splice site, but this prediction has not been confirmed by published transcriptional studies. This variant has not been reported in the literature in individuals with LAMC3-related conditions. This variant is not present in population databases (ExAC no frequency). This sequence change falls in intron 11 of the LAMC3 gene. It does not directly change the encoded amino acid sequence of the LAMC3 protein. It affects a nucleotide within the consensus splice site of the intron.

Literature cited by the submitters: PubMed 17576681; PubMed 9536098.